The following is an entry in ClinVar:

NM_001161352.2(KCNMA1):c.144TTC[6] (p.Ser59_Ser60dup)

Gene: KCNMA1 (potassium calcium-activated channel subfamily M alpha 1; minus strand). Cytogenetic location: 10q22.3.
Variant type: Microsatellite.
Coding change: c.144TTC[6] on transcript NM_001161352.2 (MANE Select); six copies in a row of the 3-base unit TTC starting at c.144; the reference has four copies in a row; two copies, 6 bases duplicated.
Protein change: p.Ser59_Ser60dup.
Molecular consequence: inframe insertion.
Genome position (GRCh38, 1-based): chr10:77,637,488-77,637,493, GAAGAA duplicated on the plus strand (TTCTTC on the coding strand, the reverse complement: KCNMA1 is on the minus strand); duplicating any 6 consecutive bases within chr10:77,637,488-77,637,501 gives the same sequence; the position shown is the placement nearest the transcript's 3' end. VCF-style (leftmost placement, unchanged base first): chr10-77637487-G-GGAAGAA. GRCh37 (hg19) VCF-style: chr10-79397245-G-GGAAGAA.
Other names: c.144TTC[6], p.Ser59_Ser60dup (NM_001014797.3, NM_001161353.2, NM_001271518.2 and 12 more transcripts).
Identifiers: ClinVar variation 1014090 (VCV001014090.9), dbSNP rs751901610, ClinGen allele CA5568795.
Genomic context (GRCh38, chr10:77,637,487, plus strand): 5'-CGGGATGATGAGCGCATCCATCTTGGGCTCGTGGACCGAGGACGAGGAGGAAGAGGAGGA[G>GGAAGAA]GAAGAAGAAGAAGAGGAAGAGGAGGAGGAGGAGGAGGAGGACGCGTCTAGGCTGAGATGG-3'

ClinVar aggregate classification (germline): Uncertain significance (1 of 4 stars; one submission).

Conditions:
Generalized epilepsy-paroxysmal dyskinesia syndrome (PNKD3). Also called: Paroxysmal nonkinesigenic dyskinesia, 3, with or without generalized epilepsy; Generalized epilepsy and paroxysmal dyskinesia. Identifiers: Orphanet 79137, MedGen C5574945, MONDO:0012276, OMIM 609446.

Submission:

Labcorp Genetics (formerly Invitae), Labcorp
Classification: Uncertain significance for Generalized epilepsy-paroxysmal dyskinesia syndrome. Last evaluated: 2021-04-29. Review status: criteria provided, single submitter. Criteria: Invitae Variant Classification Sherloc (09022015). Collection method: clinical testing. Allele origin: germline.
Comment: In summary, the available evidence is currently insufficient to determine the role of this variant in disease. Therefore, it has been classified as a Variant of Uncertain Significance. Experimental studies and prediction algorithms are not available or were not evaluated, and the functional significance of this variant is currently unknown. This variant has been observed in individual(s) with clinical features of KCNMA1-related conditions (Invitae). This variant is present in population databases (rs757609754, ExAC 0.008%). This variant, c.150_155dup, results in the insertion of 2 amino acid(s) to the KCNMA1 protein (p.Ser59_Ser60dup), but otherwise preserves the integrity of the reading frame.